The following is an entry in ClinVar:

ClinVar aggregate classification (germline): Uncertain significance (1 of 4 stars; one submission).

Conditions:
Multiple endocrine neoplasia, type 2 (MEN2). Identifiers: Orphanet 653, MedGen C4048306, MONDO:0019003. Disease mechanism: gain of function.

Submission:

Labcorp Genetics (formerly Invitae), Labcorp
Classification: Uncertain significance for Multiple endocrine neoplasia, type 2. Last evaluated: 2025-07-31. Review status: criteria provided, single submitter. Criteria: Invitae Variant Classification Sherloc (09022015). Collection method: clinical testing. Allele origin: germline.
Comment: This sequence change replaces glycine, which is neutral and non-polar, with arginine, which is basic and polar, at codon 7 of the RET protein (p.Gly7Arg). This variant is not present in population databases (gnomAD no frequency). This variant has not been reported in the literature in individuals affected with RET-related conditions. ClinVar contains an entry for this variant (Variation ID: 2717904). An algorithm developed to predict the effect of missense changes on protein structure and function outputs the following: PolyPhen-2: "Probably Damaging". The arginine amino acid residue is found in multiple mammalian species, which suggests that this missense change does not adversely affect protein function. In summary, the available evidence is currently insufficient to determine the role of this variant in disease. Therefore, it has been classified as a Variant of Uncertain Significance.

NM_020975.6(RET):c.19G>C (p.Gly7Arg)

Genes: RET (ret proto-oncogene; plus strand), LOC106736614 (RET 5' regulatory region; plus strand). Cytogenetic location: 10q11.21.
Variant type: single nucleotide variant.
Coding change: c.19G>C on transcript NM_020975.6 (MANE Select); coding-DNA position 19, G replaced by C.
Protein change: p.Gly7Arg; replaces glycine 7 with arginine.
Molecular consequence: missense variant.
Genome position (GRCh38, 1-based): chr10:43,077,277, G>C. VCF-style: chr10-43077277-G-C. GRCh37 (hg19) VCF-style: chr10-43572725-G-C.
Other names: c.19G>C, p.Gly7Arg (NM_000323.2, NM_001406743.1, NM_001406744.1 and 38 more transcripts); short protein forms G7R.
Identifiers: ClinVar variation 2717904 (VCV002717904.3), dbSNP rs1257661718, ClinGen allele CA376768031.